The following is an entry in ClinVar:

NM_001458.5(FLNC):c.850G>T (p.Gly284Cys)

Gene: FLNC (filamin C; plus strand). Cytogenetic location: 7q32.1.
Variant type: single nucleotide variant.
Coding change: c.850G>T on transcript NM_001458.5 (MANE Select); coding-DNA position 850, G replaced by T.
Protein change: p.Gly284Cys; replaces glycine 284 with cysteine.
Molecular consequence: missense variant.
Genome position (GRCh38, 1-based): chr7:128,837,548, G>T. VCF-style: chr7-128837548-G-T. GRCh37 (hg19) VCF-style: chr7-128477602-G-T.
Other names: c.850G>T, p.Gly284Cys (NM_001127487.2); short protein forms G284C.
Identifiers: ClinVar variation 1763685 (VCV001763685.2), dbSNP rs2536618564, ClinGen allele CA369222780.
Genomic context (GRCh38, chr7:128,837,548, plus strand): 5'-CCTGGTGCCCCTGTTCGATCCAAGCAGCTGAACCCCAAGAAAGCCATCGCCTATGGGCCT[G>T]GTATGTGTGAGCCCCTGGCGGCCCTCCTGGGCAGCTGGGCACATGTAGGCTCTCCCTGAG-3'
Protein context (NP_001449.3, residues 274-294): NPKKAIAYGP[Gly284Cys]IEPQGNTVLQ

ClinVar aggregate classification (germline): Uncertain significance (1 of 4 stars; one submission).

Conditions:
Cardiovascular phenotype. Identifiers: MedGen CN230736.

gnomAD v4.1: 1 of 1,614,154 alleles (0.000062%); highest among the groups gnomAD compares: Non-Finnish European, 0.000085%; no homozygotes.

Submission:

Ambry Genetics
Classification: Uncertain significance for Cardiovascular phenotype. Last evaluated: 2022-06-03. Review status: criteria provided, single submitter. Criteria: Ambry Variant Classification Scheme 2023. Collection method: clinical testing. Allele origin: germline.
Comment: The p.G284C variant (also known as c.850G>T), located in coding exon 4 of the FLNC gene, results from a G to T substitution at nucleotide position 850. The amino acid change results in glycine to cysteine at codon 284, an amino acid with highly dissimilar properties. However, this change occurs in the last base pair of coding exon 4, which makes it likely to have some effect on normal mRNA splicing. This nucleotide position is highly conserved in available vertebrate species. This amino acid position is highly conserved in available vertebrate species. In silico splice site analysis predicts that this alteration will result in the creation or strengthening of a novel splice donor site. In addition, as a missense substitution this is predicted to be inconclusive by in silico analysis. Since supporting evidence is limited at this time, the clinical significance of this alteration remains unclear.